The following is an entry in ClinVar:

ClinVar aggregate classification (germline): Uncertain significance (1 of 4 stars; one submission).

Conditions:
Emery-Dreifuss muscular dystrophy 4, autosomal dominant (EDMD4). Also called: EMERY-DREIFUSS MUSCULAR DYSTROPHY 4 WITH VARIABLE FEATURES. Identifiers: Orphanet 261, MedGen C2751807, MONDO:0013071, OMIM 612998.
Autosomal recessive ataxia, Beauce type. Also called: SYNE1 Deficiency; Spinocerebellar ataxia, autosomal recessive 8; ATAXIA, RECESSIVE, OF BEAUCE; SYNE1-Related Autosomal Recessive Cerebellar Ataxia. Identifiers: Orphanet 88644, MedGen C1853116, MONDO:0012549, OMIM 610743.

Allele frequency attached by ClinVar (database versions not stated): TOPMed below 0.00001.
gnomAD v4.1: 1 of 1,614,022 alleles (0.000062%); no homozygotes.

Submission:

Labcorp Genetics (formerly Invitae), Labcorp
Classification: Uncertain significance for Emery-Dreifuss muscular dystrophy 4, autosomal dominant; Autosomal recessive ataxia, Beauce type. Last evaluated: 2024-10-15. Review status: criteria provided, single submitter. Criteria: Invitae Variant Classification Sherloc (09022015). Collection method: clinical testing. Allele origin: germline.
Comment: This sequence change replaces serine, which is neutral and polar, with glycine, which is neutral and non-polar, at codon 5916 of the SYNE1 protein (p.Ser5916Gly). This variant is not present in population databases (gnomAD no frequency). This variant has not been reported in the literature in individuals affected with SYNE1-related conditions. ClinVar contains an entry for this variant (Variation ID: 2043794). An algorithm developed to predict the effect of missense changes on protein structure and function outputs the following: PolyPhen-2: "Benign". The glycine amino acid residue is found in multiple mammalian species, which suggests that this missense change does not adversely affect protein function. Algorithms developed to predict the effect of sequence changes on RNA splicing suggest that this variant may create or strengthen a splice site. In summary, the available evidence is currently insufficient to determine the role of this variant in disease. Therefore, it has been classified as a Variant of Uncertain Significance.

NM_182961.4(SYNE1):c.17959A>G (p.Ser5987Gly)

Gene: SYNE1 (spectrin repeat containing nuclear envelope protein 1; minus strand). Cytogenetic location: 6q25.2.
Variant type: single nucleotide variant.
Coding change: c.17959A>G on transcript NM_182961.4 (MANE Select); coding-DNA position 17959, A replaced by G.
Protein change: p.Ser5987Gly; replaces serine 5987 with glycine.
Molecular consequence: missense variant.
Genome position (GRCh38, 1-based): chr6:152,293,641, T>C on the plus strand (A>G on the coding strand, the complement: SYNE1 is on the minus strand). VCF-style: chr6-152293641-T-C. GRCh37 (hg19) VCF-style: chr6-152614776-T-C.
Other names: c.17746A>G, p.Ser5916Gly (NM_033071.5); short protein forms S5987G, S5916G.
Identifiers: ClinVar variation 2043794 (VCV002043794.4), dbSNP rs2094718093, ClinGen allele CA366099993.